The following is an entry in ClinVar:

ClinVar aggregate classification (germline): Likely benign (0 of 4 stars; one submission).

Conditions:
SORT1-related disorder. Also called: SORT1-related condition.

Allele frequency attached by ClinVar (database versions not stated): 1000 Genomes Project 30x 0.00016; ExAC 0.00019; 1000 Genomes Project 0.00020; TOPMed 0.00031; gnomAD 0.00033; ESP Exome Variant Server 0.00054.
gnomAD v4.1: 142 of 1,609,148 alleles (0.0088%); highest among the groups gnomAD compares: African/African-American, 0.12%; 1 homozygote.

Submission:

PreventionGenetics, part of Exact Sciences
Classification: Likely benign for SORT1-related condition. Last evaluated: 2020-01-07. Review status: no assertion criteria provided. Collection method: clinical testing. Allele origin: germline.
Comment: This variant is classified as likely benign based on ACMG/AMP sequence variant interpretation guidelines (Richards et al. 2015 PMID: 25741868, with internal and published modifications).

NM_002959.7(SORT1):c.544-5A>G

Gene: SORT1 (sortilin 1; minus strand). Cytogenetic location: 1p13.3.
Variant type: single nucleotide variant.
Coding change: c.544-5A>G on transcript NM_002959.7 (MANE Select); 5 bases into the intron before coding-DNA position 544, A replaced by G.
Molecular consequence: intron variant.
Genome position (GRCh38, 1-based): chr1:109,354,536, T>C on the plus strand (A>G on the coding strand, the complement: SORT1 is on the minus strand). VCF-style: chr1-109354536-T-C. GRCh37 (hg19) VCF-style: chr1-109897158-T-C.
Other names: c.136-5A>G (NM_001205228.2).
Identifiers: ClinVar variation 3040263 (VCV003040263.2), dbSNP rs375887021, ClinGen allele CA990106.